The following is an entry in ClinVar:

ClinVar aggregate classification (germline): Pathogenic (1 of 4 stars; one submission).

Conditions:
Peroxisome biogenesis disorder 11A (Zellweger). Also called: Peroxisome biogenesis disorder 11A. Identifiers: Orphanet 912, MedGen C3554000, MONDO:0013949, OMIM 614883.

Submission:

Labcorp Genetics (formerly Invitae), Labcorp
Classification: Pathogenic for Peroxisome biogenesis disorder 11A (Zellweger). Last evaluated: 2023-07-19. Review status: criteria provided, single submitter. Criteria: Invitae Variant Classification Sherloc (09022015). Collection method: clinical testing. Allele origin: germline.
Comment: For these reasons, this variant has been classified as Pathogenic. This variant disrupts a region of the PEX13 protein in which other variant(s) (p.Arg294Trp) have been determined to be pathogenic (PMID: 35854306). This suggests that this is a clinically significant region of the protein, and that variants that disrupt it are likely to be disease-causing. This variant has not been reported in the literature in individuals affected with PEX13-related conditions. This variant is not present in population databases (gnomAD no frequency). This sequence change creates a premature translational stop signal (p.Val286Tyrfs*14) in the PEX13 gene. While this is not anticipated to result in nonsense mediated decay, it is expected to disrupt the last 118 amino acid(s) of the PEX13 protein.

Literature cited by the submitters: PubMed 35854306.

NM_002618.4(PEX13):c.855del (p.Val286fs)

Gene: PEX13 (peroxisomal biogenesis factor 13; plus strand). Cytogenetic location: 2p15.
Variant type: Deletion.
Coding change: c.855del on transcript NM_002618.4 (MANE Select); coding-DNA position 855, one base deleted (C; older notation c.855delC).
Protein change: p.Val286fs; shifts the reading frame from valine 286.
Molecular consequence: frameshift variant.
Genome position (GRCh38, 1-based): chr2:61,045,793, C deleted; the last of 2 consecutive C bases (chr2:61,045,792-61,045,793); deleting either gives the same sequence. VCF-style (leftmost placement, unchanged base first): chr2-61045791-GC-G. GRCh37 (hg19) VCF-style: chr2-61272926-GC-G.
Other names: short protein forms V286fs.
Identifiers: ClinVar variation 2742993 (VCV002742993.3), dbSNP rs2467527251, ClinGen allele CA2697548191.